The following is an entry in ClinVar:

ClinVar aggregate classification (germline): Likely benign. Review status: criteria provided, multiple submitters, no conflicts (2 of 4 stars). 5 submissions from 5 submitters: Likely benign (5). Last evaluated 2024-07-10.

Conditions:
Arrhythmogenic right ventricular dysplasia 12. Also called: ARRHYTHMOGENIC RIGHT VENTRICULAR DYSPLASIA, FAMILIAL, 12. Identifiers: MedGen C1969081, MONDO:0012684, OMIM 611528.
Naxos disease (NXD). Also called: PALMOPLANTAR KERATODERMA WITH ARRHYTHMOGENIC RIGHT VENTRICULAR CARDIOMYOPATHY AND WOOLLY HAIR; CARDIOMYOPATHY, ARRHYTHMOGENIC RIGHT VENTRICULAR, WITH SKIN, HAIR, AND NAIL ABNORMALITIES; WOOLLY HAIR, PALMOPLANTAR KERATODERMA, AND CARDIAC ABNORMALITIES; KERATOSIS PALMOPLANTARIS WITH ARRHYTHMOGENIC CARDIOMYOPATHY; MAL DE NAXOS. Identifiers: Orphanet 34217, MedGen C1832600, MONDO:0011017, OMIM 601214.
Cardiovascular phenotype. Identifiers: MedGen CN230736.

Allele frequency attached by ClinVar (database versions not stated): TOPMed below 0.00001; gnomAD 0.00001; gnomAD exomes 0.00001; ExAC 0.00003.
gnomAD v4.1: 9 of 1,606,576 alleles (0.00056%); highest among the groups gnomAD compares: South Asian, 0.0011%; no homozygotes.

Submissions (5):

Labcorp Genetics (formerly Invitae), Labcorp
Classification: Likely benign for Arrhythmogenic right ventricular dysplasia 12; Naxos disease. Last evaluated: 2024-07-10. Review status: criteria provided, single submitter. Criteria: Invitae Variant Classification Sherloc (09022015). Collection method: clinical testing. Allele origin: germline.

Phosphorus, Inc.
Classification: Likely benign. Last evaluated: 2022-01-16. Review status: criteria provided, single submitter. Criteria: ACMG Guidelines, 2015. Collection method: clinical testing. Allele origin: germline. Inheritance: Autosomal recessive inheritance.
Comment: This synonymous variant has occurred in GnomAD with a total MAF of 0.0012% and with the highest MAF of 0.0033% in the South Asian population. This position is not conserved. In silico splicing algorithm predicted no impact on splicing, but no functional studies were performed to confirm this prediction. This variant NM_002230.4(JUP):c.1506C>T (p.Ile502=) is present in the ClinVar database (ID: 872721). The variant has not occurred in the literature in association with the disease. Considering that the variant has a relatively high frequency in a subpopulation, it has been classified as Likely Benign.

Women's Health and Genetics/Laboratory Corporation of America, LabCorp
Classification: Likely benign. Last evaluated: 2020-08-24. Review status: criteria provided, single submitter. Criteria: LabCorp Variant Classification Summary - May 2015. Collection method: clinical testing. Allele origin: germline.

CeGaT Center for Human Genetics Tuebingen
Classification: Likely benign. Last evaluated: 2019-10-01. Review status: criteria provided, single submitter. Criteria: CeGaT Center For Human Genetics Tuebingen Variant Classification Criteria Version 2. Collection method: clinical testing. Allele origin: germline. Affected: yes. Observed: 1 variant allele.

Ambry Genetics
Classification: Likely benign for Cardiovascular phenotype. Last evaluated: 2019-03-22. Review status: criteria provided, single submitter. Criteria: Ambry Variant Classification Scheme 2023. Collection method: clinical testing. Allele origin: germline.

NM_002230.4(JUP):c.1506C>T (p.Ile502=)

Gene: JUP (junction plakoglobin; minus strand). Cytogenetic location: 17q21.2.
Variant type: single nucleotide variant.
Coding change: c.1506C>T on transcript NM_002230.4 (MANE Select); coding-DNA position 1506, C replaced by T.
Protein change: p.Ile502=; no amino-acid change (isoleucine 502 retained).
Molecular consequence: synonymous variant.
Genome position (GRCh38, 1-based): chr17:41,758,862, G>A on the plus strand (C>T on the coding strand, the complement: JUP is on the minus strand). VCF-style: chr17-41758862-G-A. GRCh37 (hg19) VCF-style: chr17-39915114-G-A.
Other names: c.1506C>T, p.Ile502= (NM_001352773.2, NM_001352774.2, NM_001352775.2 and 3 more transcripts).
Identifiers: ClinVar variation 872721 (VCV000872721.51), dbSNP rs372963143, ClinGen allele CA8565195.